The following is an entry in ClinVar:

NM_001759.4(CCND2):c.842C>T (p.Pro281Leu)

Gene: CCND2 (cyclin D2; plus strand). Cytogenetic location: 12p13.32.
Variant type: single nucleotide variant.
Coding change: c.842C>T on transcript NM_001759.4 (MANE Select); coding-DNA position 842, C replaced by T.
Protein change: p.Pro281Leu; replaces proline 281 with leucine.
Molecular consequence: missense variant.
Genome position (GRCh38, 1-based): chr12:4,299,981, C>T. VCF-style: chr12-4299981-C-T. GRCh37 (hg19) VCF-style: chr12-4409147-C-T.
Other names: short protein forms P281L.
Identifiers: ClinVar variation 143986 (VCV000143986.4), dbSNP rs587777622, ClinGen allele CA170555.

ClinVar aggregate classification (germline): Pathogenic. Review status: criteria provided, single submitter (1 of 4 stars). 3 submissions from 3 submitters: Pathogenic (1). 2 of the submissions do not count toward it. Last evaluated 2024-09-19.

Conditions:
Megalencephaly-polymicrogyria-polydactyly-hydrocephalus syndrome 3 (MPPH3). Identifiers: Orphanet 83473, MedGen C4014742, MONDO:0014408, OMIM 615938.

Allele frequency attached by ClinVar (database versions not stated): TOPMed below 0.00001; gnomAD 0.00001.
gnomAD v4.1: 3 of 1,613,966 alleles (0.00019%); highest among the groups gnomAD compares: Non-Finnish European, 0.00025%; no homozygotes.

Submissions (3):

Laboratoire Génétique Moléculaire, CHRU TOURS
Classification: Pathogenic for Megalencephaly-polymicrogyria-polydactyly-hydrocephalus syndrome 3. Last evaluated: 2024-09-19. Review status: criteria provided, single submitter. Criteria: ACMG Guidelines, 2015. Collection method: clinical testing. Allele origin: de novo. Affected: yes.
Comment: PS2;PM1;PM2;PP3;PP4

OMIM
Classification: Pathogenic for MEGALENCEPHALY-POLYMICROGYRIA-POLYDACTYLY-HYDROCEPHALUS SYNDROME 3. Last evaluated: 2014-05-01. Review status: no assertion criteria provided. Collection method: literature only. Allele origin: germline. Not counted in ClinVar's aggregate classification.

GeneReviews
No classification provided. Condition: Megalencephaly-polymicrogyria-polydactyly-hydrocephalus syndrome 3. Review status: no classification provided. Collection method: literature only. Allele origin: germline. Affected: yes. Not counted in ClinVar's aggregate classification.

Literature cited by the submitters: PubMed 24705253 (cited by OMIM); NCBI Bookshelf NBK396098 (cited by GeneReviews).